The following is an entry in ClinVar:

ClinVar aggregate classification (germline): Conflicting classifications of pathogenicity. Review status: criteria provided, conflicting classifications (1 of 4 stars). 3 submissions from 3 submitters: Uncertain significance (2); Likely benign (1). Last evaluated 2025-11-17.

Conditions:
Aortic aneurysm, familial thoracic 4 (AAT4). Also called: AORTIC ANEURYSM/AORTIC DISSECTION AND PATENT DUCTUS ARTERIOSUS. Identifiers: MedGen C1851504, MONDO:0007568, OMIM 132900.
Familial thoracic aortic aneurysm and aortic dissection (TAAD). Also called: Thoracic aortic aneurysms and dissections. Identifiers: Orphanet 91387, MedGen C4707243, MONDO:0019625.

Allele frequency attached by ClinVar (database versions not stated): ExAC 0.00001; TOPMed 0.00001.
gnomAD v4.1: 16 of 1,612,548 alleles (0.00099%); highest among the groups gnomAD compares: South Asian, 0.013%; no homozygotes.

Submissions (3):

Labcorp Genetics (formerly Invitae), Labcorp
Classification: Likely benign for Aortic aneurysm, familial thoracic 4. Last evaluated: 2025-11-17. Review status: criteria provided, single submitter. Criteria: Invitae Variant Classification Sherloc (09022015). Collection method: clinical testing. Allele origin: germline.

All of Us Research Program, National Institutes of Health
Classification: Uncertain significance for Familial thoracic aortic aneurysm and aortic dissection. Last evaluated: 2023-09-17. Review status: criteria provided, single submitter. Criteria: ACMG Guidelines, 2015. Collection method: clinical testing. Allele origin: germline. Inheritance: Autosomal dominant inheritance. Observed: 1 variant allele, 1 heterozygote.
Comment: This variant causes T to C nucleotide substitution at the -12 position of intron 34 of the MYH11 gene. To our knowledge, functional studies have not been reported for this variant. This variant has not been reported in individuals affected with MYH11-related disorders in the literature. This variant has been identified in 2/247316 chromosomes in the general population by the Genome Aggregation Database (gnomAD). The available evidence is insufficient to determine the role of this variant in disease conclusively. Therefore, this variant is classified as a Variant of Uncertain Significance.

This study involves interpretation of variants in research participants for the purpose of population health screening. Participant phenotype was not available at the time of variant classification. Additional details can be found in publication PMID: 35346344, PMCID: PMC8962531

Color Diagnostics, LLC DBA Color Health
Classification: Uncertain significance for Familial thoracic aortic aneurysm and aortic dissection. Last evaluated: 2023-08-31. Review status: criteria provided, single submitter. Criteria: ACMG Guidelines, 2015. Collection method: clinical testing. Allele origin: germline.
Comment: This variant causes T to C nucleotide substitution at the -12 position of intron 34 of the MYH11 gene. To our knowledge, functional studies have not been reported for this variant. This variant has not been reported in individuals affected with MYH11-related disorders in the literature. This variant has been identified in 2/247316 chromosomes in the general population by the Genome Aggregation Database (gnomAD). The available evidence is insufficient to determine the role of this variant in disease conclusively. Therefore, this variant is classified as a Variant of Uncertain Significance.

NM_002474.3(MYH11):c.4792-12T>C

Genes: MYH11 (myosin heavy chain 11; minus strand), NDE1 (nudE neurodevelopment protein 1; plus strand). Cytogenetic location: 16p13.11.
Variant type: single nucleotide variant.
Coding change: c.4792-12T>C on transcript NM_002474.3 (MANE Select); 12 bases into the intron before coding-DNA position 4792, T replaced by C.
Molecular consequence: intron variant.
Genome position (GRCh38, 1-based): chr16:15,720,324, A>G on the plus strand (T>C on the coding strand, the complement: MYH11 is on the minus strand). VCF-style: chr16-15720324-A-G. GRCh37 (hg19) VCF-style: chr16-15814181-A-G.
Other names: c.948-3867A>G (NM_001143979.2, NM_017668.3); c.4792-12T>C (NM_022844.3); c.4813-12T>C (NM_001040114.2, NM_001040113.2).
Identifiers: ClinVar variation 3073482 (VCV003073482.3), dbSNP rs767851663, ClinGen allele CA7921542.